The following is an entry in ClinVar:

ClinVar aggregate classification (germline): Benign/Likely benign. Review status: criteria provided, multiple submitters, no conflicts (2 of 4 stars). 8 submissions from 8 submitters: Benign (6); Likely benign (1). 1 of the submissions does not count toward it. Last evaluated 2026-02-01.

Conditions:
COL6A3-related disorder. Also called: COL6A3-related condition; COL6A3-related disorders.
Bethlem myopathy 1A. Also called: MYOPATHY, BENIGN CONGENITAL, WITH CONTRACTURES; Bethlem myopathy 1; Bethlem Muscular Dystrophy. Identifiers: Orphanet 610, MedGen CN029274, MONDO:0024530, OMIM 158810.
Ullrich congenital muscular dystrophy 1A. Also called: Intermediate COL6-RD; Ullrich congenital muscular dystrophy 1. Identifiers: Orphanet 75840, MedGen C0410179, MONDO:0009681, OMIM 254090.
Dystonia 27 (DYT27). Identifiers: Orphanet 464440, MedGen C4225336, MONDO:0014627, OMIM 616411.
Collagen 6-related myopathy. Identifiers: MedGen CN117976, MONDO:0100225.

Allele frequency attached by ClinVar (database versions not stated): 1000 Genomes Project 0.00200; 1000 Genomes Project 30x 0.00203; ESP Exome Variant Server 0.00008; TOPMed 0.00193.
gnomAD v4.1: 1,591 of 1,614,164 alleles (0.099%); highest among the groups gnomAD compares: Admixed American, 2.4%; 20 homozygotes.

Submissions (8):

Labcorp Genetics (formerly Invitae), Labcorp
Classification: Benign for Bethlem myopathy 1A. Last evaluated: 2026-02-01. Review status: criteria provided, single submitter. Criteria: Invitae Variant Classification Sherloc (09022015). Collection method: clinical testing. Allele origin: germline.

Fulgent Genetics
Classification: Likely benign for Bethlem myopathy 1A; Ullrich congenital muscular dystrophy 1A; Dystonia 27. Last evaluated: 2021-11-29. Review status: criteria provided, single submitter. Criteria: ACMG Guidelines, 2015. Collection method: clinical testing. Allele origin: unknown.

Mayo Clinic Laboratories, Mayo Clinic
Classification: Benign. Last evaluated: 2020-09-30. Review status: criteria provided, single submitter. Criteria: ACMG Guidelines, 2015. Collection method: clinical testing. Allele origin: germline. Observed: 6 variant alleles.

Illumina Laboratory Services, Illumina
Classification: Benign for Collagen VI-related myopathy. Last evaluated: 2018-01-13. Review status: criteria provided, single submitter. Criteria: ICSL Variant Classification Criteria 13 December 2019. Collection method: clinical testing. Allele origin: germline.
Comment: This variant was observed in the ICSL laboratory as part of a predisposition screen in an ostensibly healthy population. It had not been previously curated by ICSL or reported in the Human Gene Mutation Database (HGMD: prior to June 1st, 2018), and was therefore a candidate for classification through an automated scoring system. Utilizing variant allele frequency, disease prevalence and penetrance estimates, and inheritance mode, an automated score was calculated to assess if this variant is too frequent to cause the disease. Based on the score and internal cut-off values, a variant classified as benign is not then subjected to further curation. The score for this variant resulted in a classification of benign for this disease.

Athena Diagnostics
Classification: Benign. Last evaluated: 2017-02-07. Review status: criteria provided, single submitter. Criteria: Athena Diagnostics Criteria. Collection method: clinical testing. Allele origin: germline.

GeneDx
Classification: Benign. Last evaluated: 2016-12-19. Review status: criteria provided, single submitter. Criteria: GeneDx Variant Classification (06012015). Collection method: clinical testing. Allele origin: germline. Affected: yes.
Comment: This variant is considered likely benign or benign based on one or more of the following criteria: it is a conservative change, it occurs at a poorly conserved position in the protein, it is predicted to be benign by multiple in silico algorithms, and/or has population frequency not consistent with disease.

Eurofins Ntd Llc (ga)
Classification: Benign. Last evaluated: 2014-12-11. Review status: criteria provided, single submitter. Criteria: EGL Classification Definitions 2015. Collection method: clinical testing. Allele origin: germline. Observed: 8 variant alleles, 8 heterozygotes.

PreventionGenetics, part of Exact Sciences
Classification: Benign for COL6A3-related condition. Last evaluated: 2021-03-11. Review status: no assertion criteria provided. Collection method: clinical testing. Allele origin: germline. Not counted in ClinVar's aggregate classification.
Comment: This variant is classified as benign based on ACMG/AMP sequence variant interpretation guidelines (Richards et al. 2015 PMID: 25741868, with internal and published modifications).

NM_004369.4(COL6A3):c.7645C>T (p.Arg2549Trp)

Gene: COL6A3 (collagen type VI alpha 3 chain; minus strand). Cytogenetic location: 2q37.3.
Variant type: single nucleotide variant.
Coding change: c.7645C>T on transcript NM_004369.4 (MANE Select); coding-DNA position 7645, C replaced by T.
Protein change: p.Arg2549Trp; replaces arginine 2549 with tryptophan.
Molecular consequence: missense variant.
Genome position (GRCh38, 1-based): chr2:237,344,373, G>A on the plus strand (C>T on the coding strand, the complement: COL6A3 is on the minus strand). VCF-style: chr2-237344373-G-A. GRCh37 (hg19) VCF-style: chr2-238253016-G-A.
Other names: p.R2549W:CGG>TGG; c.5824C>T, p.Arg1942Trp (NM_057166.5); c.7027C>T, p.Arg2343Trp (NM_057167.4); short protein forms R2549W, R1942W, R2343W.
Identifiers: ClinVar variation 94991 (VCV000094991.22), dbSNP rs151079701, ClinGen allele CA148039.